The following is an entry in ClinVar:

NM_002691.4(POLD1):c.1872C>T (p.Pro624=)

Gene: POLD1 (DNA polymerase delta 1, catalytic subunit; plus strand). Cytogenetic location: 19q13.33.
Variant type: single nucleotide variant.
Coding change: c.1872C>T on transcript NM_002691.4 (MANE Select); coding-DNA position 1872, C replaced by T.
Protein change: p.Pro624=; no amino-acid change (proline 624 retained).
Molecular consequence: synonymous variant. On other transcripts: non-coding transcript variant (1).
Genome position (GRCh38, 1-based): chr19:50,408,881, C>T. VCF-style: chr19-50408881-C-T. GRCh37 (hg19) VCF-style: chr19-50912138-C-T.
Other names: c.1872C>T, p.Pro624= (NM_001256849.1); c.1950C>T, p.Pro650= (NM_001308632.1).
Identifiers: ClinVar variation 384352 (VCV000384352.42), dbSNP rs200649908, ClinGen allele CA9596299.

ClinVar aggregate classification (germline): Likely benign. Review status: criteria provided, multiple submitters, no conflicts (2 of 4 stars). 4 submissions from 4 submitters: Likely benign (4). Last evaluated 2026-01-27.

Conditions:
POLD1-related polyposis and colorectal cancer syndrome (CRCS10). Also called: Colorectal cancer 10; Colorectal cancer, susceptibility to, 10; COLORECTAL CANCER, SUSCEPTIBILITY TO, ON CHROMOSOME 19q. Identifiers: Orphanet 220460, MedGen C2675481, MONDO:0012953, OMIM 612591.
Hereditary cancer-predisposing syndrome. Also called: Neoplastic Syndromes, Hereditary; Hereditary neoplastic syndrome; Tumor predisposition; Hereditary Cancer Syndrome. Identifiers: Orphanet 140162, MedGen C0027672, MeSH D009386, MONDO:0015356.

Allele frequency attached by ClinVar (database versions not stated): gnomAD exomes 0.00001 and 0.00002; ExAC 0.00003; 1000 Genomes Project 30x 0.00016; 1000 Genomes Project 0.00020.
gnomAD v4.1: 15 of 1,611,994 alleles (0.00093%); highest among the groups gnomAD compares: East Asian, 0.0089%; no homozygotes.

Submissions (4):

Labcorp Genetics (formerly Invitae), Labcorp
Classification: Likely benign for POLD1-related polyposis and colorectal cancer syndrome. Last evaluated: 2026-01-27. Review status: criteria provided, single submitter. Criteria: Invitae Variant Classification Sherloc (09022015). Collection method: clinical testing. Allele origin: germline.

CeGaT Center for Human Genetics Tuebingen
Classification: Likely benign. Last evaluated: 2025-08-01. Review status: criteria provided, single submitter. Criteria: CeGaT Center For Human Genetics Tuebingen Variant Classification Criteria Version 2. Collection method: clinical testing. Allele origin: germline. Affected: yes. Observed: 2 variant alleles.
Comment: POLD1: BP4, BP7

GeneDx
Classification: Likely benign. Last evaluated: 2021-03-30. Review status: criteria provided, single submitter. Criteria: GeneDx Variant Classification Process June 2021. Collection method: clinical testing. Allele origin: germline. Affected: yes.

Ambry Genetics
Classification: Likely benign for Hereditary cancer-predisposing syndrome. Last evaluated: 2016-10-05. Review status: criteria provided, single submitter. Criteria: Ambry Variant Classification Scheme 2023. Collection method: clinical testing. Allele origin: germline.